The following is an entry in ClinVar:

ClinVar aggregate classification (germline): Uncertain significance (1 of 4 stars; one submission).

Conditions:
Encephalopathy, acute, infection-induced (herpes-specific), susceptibility to, 1. Also called: Herpes simplex encephalitis, susceptibility to, 1. Identifiers: Orphanet 1930, MedGen C2750180, MONDO:0024563, OMIM 610551.

Submission:

Labcorp Genetics (formerly Invitae), Labcorp
Classification: Uncertain significance for Encephalopathy, acute, infection-induced (herpes-specific), susceptibility to, 1. Last evaluated: 2021-05-18. Review status: criteria provided, single submitter. Criteria: Invitae Variant Classification Sherloc (09022015). Collection method: clinical testing. Allele origin: germline.
Comment: In summary, the available evidence is currently insufficient to determine the role of this variant in disease. Therefore, it has been classified as a Variant of Uncertain Significance. Algorithms developed to predict the effect of missense changes on protein structure and function (SIFT, PolyPhen-2, Align-GVGD) all suggest that this variant is likely to be tolerated, but these predictions have not been confirmed by published functional studies and their clinical significance is uncertain. This variant has not been reported in the literature in individuals with TLR3-related conditions. This variant is not present in population databases (ExAC no frequency). This sequence change replaces glutamic acid with lysine at codon 570 of the TLR3 protein (p.Glu570Lys). The glutamic acid residue is moderately conserved and there is a small physicochemical difference between glutamic acid and lysine.

NM_003265.3(TLR3):c.1708G>A (p.Glu570Lys)

Gene: TLR3 (toll like receptor 3; plus strand). Cytogenetic location: 4q35.1.
Variant type: single nucleotide variant.
Coding change: c.1708G>A on transcript NM_003265.3 (MANE Select); coding-DNA position 1708, G replaced by A.
Protein change: p.Glu570Lys; replaces glutamic acid 570 with lysine.
Molecular consequence: missense variant.
Genome position (GRCh38, 1-based): chr4:186,083,394, G>A. VCF-style: chr4-186083394-G-A. GRCh37 (hg19) VCF-style: chr4-187004548-G-A.
Other names: short protein forms E570K.
Identifiers: ClinVar variation 1446582 (VCV001446582.8), dbSNP rs2150068016, ClinGen allele CA358933550.